The following is an entry in ClinVar:

NM_018052.5(VAC14):c.709G>A (p.Glu237Lys)

Gene: VAC14 (VAC14 component of PIKFYVE complex; minus strand). Cytogenetic location: 16q22.1.
Variant type: single nucleotide variant.
Coding change: c.709G>A on transcript NM_018052.5 (MANE Select); coding-DNA position 709, G replaced by A.
Protein change: p.Glu237Lys; replaces glutamic acid 237 with lysine.
Molecular consequence: missense variant.
Genome position (GRCh38, 1-based): chr16:70,783,135, C>T on the plus strand (G>A on the coding strand, the complement: VAC14 is on the minus strand). VCF-style: chr16-70783135-C-T. GRCh37 (hg19) VCF-style: chr16-70817038-C-T.
Other names: c.7G>A, p.Glu3Lys (NM_001351157.2); c.709G>A (NM_018052.3); short protein forms E237K, E3K.
Identifiers: ClinVar variation 1910795 (VCV001910795.6), dbSNP rs772499079, ClinGen allele CA8147976.

ClinVar aggregate classification (germline): Uncertain significance. Review status: criteria provided, multiple submitters, no conflicts (2 of 4 stars). 2 submissions from 2 submitters: Uncertain significance (2). Last evaluated 2025-12-02.

Conditions:
Inborn genetic diseases. Identifiers: MedGen C0950123, MeSH D030342.

Allele frequency attached by ClinVar (database versions not stated): ExAC 0.00001.
gnomAD v4.1: 8 of 1,613,780 alleles (0.0005%); highest among the groups gnomAD compares: Non-Finnish European, 0.00059%; no homozygotes.

Submissions (2):

Ambry Genetics
Classification: Uncertain significance for Inborn genetic diseases. Last evaluated: 2025-12-02. Review status: criteria provided, single submitter. Criteria: Ambry Variant Classification Scheme 2023. Collection method: clinical testing. Allele origin: germline.

Labcorp Genetics (formerly Invitae), Labcorp
Classification: Uncertain significance. Last evaluated: 2022-06-10. Review status: criteria provided, single submitter. Criteria: Invitae Variant Classification Sherloc (09022015). Collection method: clinical testing. Allele origin: germline.
Comment: In summary, the available evidence is currently insufficient to determine the role of this variant in disease. Therefore, it has been classified as a Variant of Uncertain Significance. Algorithms developed to predict the effect of missense changes on protein structure and function are either unavailable or do not agree on the potential impact of this missense change (SIFT: "Deleterious"; PolyPhen-2: "Probably Damaging"; Align-GVGD: "Class C0"). This variant has not been reported in the literature in individuals affected with VAC14-related conditions. This variant is present in population databases (rs772499079, gnomAD 0.002%). This sequence change replaces glutamic acid, which is acidic and polar, with lysine, which is basic and polar, at codon 237 of the VAC14 protein (p.Glu237Lys).